The following is an entry in ClinVar:

NM_000057.4(BLM):c.3582T>A (p.Asn1194Lys)

Gene: BLM (BLM RecQ like helicase; plus strand). Cytogenetic location: 15q26.1.
Variant type: single nucleotide variant.
Coding change: c.3582T>A on transcript NM_000057.4 (MANE Select); coding-DNA position 3582, T replaced by A.
Protein change: p.Asn1194Lys; replaces asparagine 1194 with lysine.
Molecular consequence: missense variant. On other transcripts: intron variant (1).
Genome position (GRCh38, 1-based): chr15:90,804,190, T>A. VCF-style: chr15-90804190-T-A. GRCh37 (hg19) VCF-style: chr15-91347420-T-A.
Other names: c.3582T>A, p.Asn1194Lys (NM_001287246.2); c.2457T>A, p.Asn819Lys (NM_001287248.2); c.3359-4947T>A (NM_001287247.2); short protein forms N819K, N1194K.
Identifiers: ClinVar variation 2803313 (VCV002803313.5), dbSNP rs2505549563, ClinGen allele CA393847929.

ClinVar aggregate classification (germline): Uncertain significance. Review status: criteria provided, multiple submitters, no conflicts (2 of 4 stars). 3 submissions from 3 submitters: Uncertain significance (3). Last evaluated 2025-10-23.

Conditions:
Bloom syndrome (BLM). Also called: Bloom-Torre-Machacek syndrome. Identifiers: Orphanet 125, MedGen C0005859, MONDO:0008876, OMIM 210900.
Hereditary cancer-predisposing syndrome. Also called: Hereditary neoplastic syndrome; Neoplastic Syndromes, Hereditary; Hereditary Cancer Syndrome; Tumor predisposition. Identifiers: Orphanet 140162, MedGen C0027672, MeSH D009386, MONDO:0015356.

Submissions (3):

Ambry Genetics
Classification: Uncertain significance for Hereditary cancer-predisposing syndrome. Last evaluated: 2025-10-23. Review status: criteria provided, single submitter. Criteria: Ambry Variant Classification Scheme 2023. Collection method: clinical testing. Allele origin: germline.
Comment: The p.N1194K variant (also known as c.3582T>A), located in coding exon 18 of the BLM gene, results from a T to A substitution at nucleotide position 3582. The asparagine at codon 1194 is replaced by lysine, an amino acid with similar properties. This amino acid position is conserved. In addition, this alteration is predicted to be tolerated by in silico analysis. Based on the available evidence, the clinical significance of this variant remains unclear.

GeneDx
Classification: Uncertain significance. Last evaluated: 2024-12-09. Review status: criteria provided, single submitter. Criteria: GeneDx Variant Classification Process June 2021. Collection method: clinical testing. Allele origin: germline. Affected: yes.
Comment: Not observed at significant frequency in large population cohorts (gnomAD); In silico analysis indicates that this missense variant does not alter protein structure/function; Has not been previously published as pathogenic or benign to our knowledge

Labcorp Genetics (formerly Invitae), Labcorp
Classification: Uncertain significance for Bloom syndrome. Last evaluated: 2022-12-01. Review status: criteria provided, single submitter. Criteria: Invitae Variant Classification Sherloc (09022015). Collection method: clinical testing. Allele origin: germline.
Comment: In summary, the available evidence is currently insufficient to determine the role of this variant in disease. Therefore, it has been classified as a Variant of Uncertain Significance. Advanced modeling of protein sequence and biophysical properties (such as structural, functional, and spatial information, amino acid conservation, physicochemical variation, residue mobility, and thermodynamic stability) performed at Invitae indicates that this missense variant is not expected to disrupt BLM protein function. This variant has not been reported in the literature in individuals affected with BLM-related conditions. This variant is not present in population databases (gnomAD no frequency). This sequence change replaces asparagine, which is neutral and polar, with lysine, which is basic and polar, at codon 1194 of the BLM protein (p.Asn1194Lys).